The following is an entry in ClinVar:

ClinVar aggregate classification (germline): Likely pathogenic (1 of 4 stars; one submission).

Submission:

GeneDx
Classification: Likely pathogenic. Last evaluated: 2026-04-09. Review status: criteria provided, single submitter. Criteria: GeneDx Variant Classification Process June 2021. Collection method: clinical testing. Allele origin: germline.
Comment: Reported in an individual with peripheral neuropathy who harbored an additional variant in ARSA in unknown phase (PMID: 26462614); Not observed at significant frequency in large population cohorts (gnomAD); In silico analysis supports that this missense variant has a deleterious effect on protein structure/function; This variant is associated with the following publications: (PMID: 32875726, 26462614)

NM_000487.6(ARSA):c.925G>C (p.Glu309Gln)

Gene: ARSA (arylsulfatase A; minus strand). Cytogenetic location: 22q13.33.
Variant type: single nucleotide variant.
Coding change: c.925G>C on transcript NM_000487.6 (MANE Select); coding-DNA position 925, G replaced by C.
Protein change: p.Glu309Gln; replaces glutamic acid 309 with glutamine.
Molecular consequence: missense variant.
Genome position (GRCh38, 1-based): chr22:50,626,208, C>G on the plus strand (G>C on the coding strand, the complement: ARSA is on the minus strand). VCF-style: chr22-50626208-C-G. GRCh37 (hg19) VCF-style: chr22-51064636-C-G.
Other names: c.925G>C, p.Glu309Gln (NM_001085425.3, NM_001085426.3, NM_001085427.3); c.667G>C, p.Glu223Gln (NM_001085428.3, NM_001362782.2); short protein forms E223Q, E309Q.
Identifiers: ClinVar variation 5018446 (VCV005018446.1).